The following is an entry in ClinVar:

NM_003072.5(SMARCA4):c.4055C>A (p.Ala1352Glu)

Gene: SMARCA4 (SWI/SNF related BAF chromatin remodeling complex subunit ATPase 4; plus strand). Cytogenetic location: 19p13.2.
Variant type: single nucleotide variant.
Coding change: c.4055C>A on transcript NM_003072.5 (MANE Select); coding-DNA position 4055, C replaced by A.
Protein change: p.Ala1352Glu; replaces alanine 1352 with glutamic acid.
Molecular consequence: missense variant. On other transcripts: non-coding transcript variant (1).
Genome position (GRCh38, 1-based): chr19:11,035,017, C>A. VCF-style: chr19-11035017-C-A. GRCh37 (hg19) VCF-style: chr19-11145693-C-A.
Other names: c.4055C>A, p.Ala1352Glu (NM_001128844.3, NM_001128849.3, NM_001387283.1); c.3956C>A, p.Ala1319Glu (NM_001128845.2, NM_001128846.2, NM_001128847.4 and 3 more transcripts); short protein forms A1319E, A1352E.
Identifiers: ClinVar variation 4864742 (VCV004864742.1).

ClinVar aggregate classification (germline): Uncertain significance (1 of 4 stars; one submission).

Conditions:
Hereditary cancer-predisposing syndrome. Also called: Neoplastic Syndromes, Hereditary; Tumor predisposition; Hereditary Cancer Syndrome; Hereditary neoplastic syndrome. Identifiers: Orphanet 140162, MedGen C0027672, MeSH D009386, MONDO:0015356.

Submission:

Ambry Genetics
Classification: Uncertain significance for Hereditary cancer-predisposing syndrome. Last evaluated: 2026-03-21. Review status: criteria provided, single submitter. Criteria: Ambry Variant Classification Scheme 2023. Collection method: clinical testing. Allele origin: germline.
Comment: The p.A1352E variant (also known as c.4055C>A), located in coding exon 28 of the SMARCA4 gene, results from a C to A substitution at nucleotide position 4055. The alanine at codon 1352 is replaced by glutamic acid, an amino acid with dissimilar properties. This amino acid position is conserved. In addition, this alteration is predicted to be deleterious by in silico analysis. Based on the available evidence, the clinical significance of this variant remains unclear.